The following is an entry in ClinVar:

NM_000157.4(GBA1):c.518C>T (p.Thr173Ile)

Genes: GBA1 (glucosylceramidase beta 1; minus strand), LOC106627981 (GBA recombination region; plus strand). Cytogenetic location: 1q22.
Variant type: single nucleotide variant.
Coding change: c.518C>T on transcript NM_000157.4 (MANE Select); coding-DNA position 518, C replaced by T.
Protein change: p.Thr173Ile; replaces threonine 173 with isoleucine.
Molecular consequence: missense variant.
Genome position (GRCh38, 1-based): chr1:155,238,587, G>A on the plus strand (C>T on the coding strand, the complement: GBA1 is on the minus strand). VCF-style: chr1-155238587-G-A. GRCh37 (hg19) VCF-style: chr1-155208378-G-A.
Other names: c.518C>T (NM_000157.3); c.518C>T, p.Thr173Ile (NM_001005741.3, NM_001005742.3); c.257C>T, p.Thr86Ile (NM_001171811.2); c.371C>T, p.Thr124Ile (NM_001171812.2); short protein forms T124I, T173I, T86I.
Identifiers: ClinVar variation 4746885 (VCV004746885.2).

ClinVar aggregate classification (germline): Likely pathogenic. Review status: criteria provided, multiple submitters, no conflicts (2 of 4 stars). 2 submissions from 2 submitters: Likely pathogenic (2). Last evaluated 2026-01-25.

Conditions:
Gaucher disease. Also called: Acute cerebral Gaucher disease; Cerebroside lipidosis syndrome; Gaucher splenomegaly; Sphingolipidosis 1; Glucocerebrosidosis; Glucosylceramidase deficiency. Identifiers: Orphanet 355, MedGen C0017205, MONDO:0018150.

Submissions (2):

Labcorp Genetics (formerly Invitae), Labcorp
Classification: Likely pathogenic. Last evaluated: 2026-01-25. Review status: criteria provided, single submitter. Criteria: Invitae Variant Classification Sherloc (09022015). Collection method: clinical testing. Allele origin: germline.
Comment: This sequence change replaces threonine, which is neutral and polar, with isoleucine, which is neutral and non-polar, at codon 173 of the GBA protein (p.Thr173Ile). The frequency data for this variant in the population databases (gnomAD) is considered unreliable due to the presence of homologous sequence, such as pseudogenes or paralogs, in the genome. This missense change has been observed in individual(s) with Gaucher disease (PMID: 10796875, 23426826, 39827430). This variant is also known as p.Thr134Ile. Invitae Evidence Modeling of protein sequence and biophysical properties (such as structural, functional, and spatial information, amino acid conservation, physicochemical variation, residue mobility, and thermodynamic stability) indicates that this missense variant is expected to disrupt GBA protein function with a positive predictive value of 80%. This variant disrupts the p.Thr173 (also known as p.Thr134) amino acid residue in GBA. Other variant(s) that disrupt this residue have been determined to be pathogenic (PMID: 9554746, 11259172, 26296077, 32589593). This suggests that this residue is clinically significant, and that variants that disrupt this residue are likely to be disease-causing. In summary, the currently available evidence indicates that the variant is pathogenic, but additional data are needed to prove that conclusively. Therefore, this variant has been classified as Likely Pathogenic.

Natera, Inc.
Classification: Likely pathogenic for Gaucher disease. Last evaluated: 2024-05-06. Review status: criteria provided, single submitter. Criteria: Natera Variant Classification Schema (03/2026). Collection method: clinical testing. Allele origin: germline.
Comment: The c.518C>T variant in GBA1 is a missense variant predicted to cause substitution of threonine to isoleucine at amino acid 173. This variant is rare in the general population with a frequency below the threshold expected for the associated phenotype(s). This variant has been observed in one or more individuals affected with the associated recessive disease, as either homozygous or compound heterozygous with a second variant (PMID: 10796875, 23426826, 33277783, 34072542). Computational prediction algorithms indicate this variant is likely to affect gene or protein function. Given the available evidence, this variant is classified as Likely Pathogenic.

Literature cited by the submitters: PubMed 10796875 (cited by Labcorp Genetics (formerly Invitae), Labcorp and Natera, Inc.); PubMed 23426826 (cited by Labcorp Genetics (formerly Invitae), Labcorp and Natera, Inc.); PubMed 39827430 (cited by Labcorp Genetics (formerly Invitae), Labcorp); PubMed 9554746 (cited by Labcorp Genetics (formerly Invitae), Labcorp); PubMed 11259172 (cited by Labcorp Genetics (formerly Invitae), Labcorp); PubMed 26296077 (cited by Labcorp Genetics (formerly Invitae), Labcorp); PubMed 32589593 (cited by Labcorp Genetics (formerly Invitae), Labcorp); PubMed 33277783 (cited by Natera, Inc.); PubMed 34072542 (cited by Natera, Inc.).